The following is an entry in ClinVar:

ClinVar aggregate classification (germline): Likely benign (1 of 4 stars; one submission).

Allele frequency attached by ClinVar (database versions not stated): ExAC 0.00001.
gnomAD v4.1: 2 of 1,550,030 alleles (0.00013%); highest among the groups gnomAD compares: Non-Finnish European, 0.00018%; no homozygotes.

Submission:

Women's Health and Genetics/Laboratory Corporation of America, LabCorp
Classification: Likely benign. Last evaluated: 2024-01-31. Review status: criteria provided, single submitter. Criteria: LabCorp Variant Classification Summary - May 2015. Collection method: clinical testing. Allele origin: germline.
Comment: Variant summary: SIN3A c.2093+18C>T alters a non-conserved nucleotide located at a position not widely known to affect splicing. Consensus agreement among computation tools predict no significant impact on normal splicing. However, these predictions have yet to be confirmed by functional studies. The variant allele was found at a frequency of 4e-06 in 247882 control chromosomes. The available data on variant occurrences in the general population are insufficient to allow any conclusion about variant significance. To our knowledge, no occurrence of c.2093+18C>T in individuals affected with SIN3A-Related Intellectual Disability Syndrome and no experimental evidence demonstrating its impact on protein function have been reported. No submitters have cited clinical-significance assessments for this variant to ClinVar. Based on the evidence outlined above, the variant was classified as likely benign.

NM_001145358.2(SIN3A):c.2093+18C>T

Gene: SIN3A (SIN3 transcription regulator family member A; minus strand). Cytogenetic location: 15q24.2.
Variant type: single nucleotide variant.
Coding change: c.2093+18C>T on transcript NM_001145358.2 (MANE Select); 18 bases into the intron after coding-DNA position 2093, C replaced by T.
Molecular consequence: intron variant.
Genome position (GRCh38, 1-based): chr15:75,396,240, G>A on the plus strand (C>T on the coding strand, the complement: SIN3A is on the minus strand). VCF-style: chr15-75396240-G-A. GRCh37 (hg19) VCF-style: chr15-75688581-G-A.
Other names: c.2093+18C>T (NM_001145357.2, NM_015477.3).
Identifiers: ClinVar variation 3063737 (VCV003063737.1), dbSNP rs780887824, ClinGen allele CA7667527.